The following is an entry in ClinVar:

ClinVar aggregate classification (germline): Uncertain significance (1 of 4 stars; one submission).

Submission:

Labcorp Genetics (formerly Invitae), Labcorp
Classification: Uncertain significance. Last evaluated: 2022-08-15. Review status: criteria provided, single submitter. Criteria: Invitae Variant Classification Sherloc (09022015). Collection method: clinical testing. Allele origin: germline.
Comment: Variants that disrupt the consensus splice site are a relatively common cause of aberrant splicing (PMID: 17576681, 9536098). Algorithms developed to predict the effect of sequence changes on RNA splicing suggest that this variant may disrupt the consensus splice site. In summary, the available evidence is currently insufficient to determine the role of this variant in disease. Therefore, it has been classified as a Variant of Uncertain Significance. This variant has not been reported in the literature in individuals affected with UBA5-related conditions. This variant is not present in population databases (gnomAD no frequency). This sequence change affects codon 377 of the UBA5 mRNA. It is a 'silent' change, meaning that it does not change the encoded amino acid sequence of the UBA5 protein. This variant also falls at the last nucleotide of exon 11, which is part of the consensus splice site for this exon.

Literature cited by the submitters: PubMed 17576681; PubMed 9536098.

NM_024818.6(UBA5):c.1131G>A (p.Lys377=)

Genes: NPHP3-ACAD11 (NPHP3-ACAD11 readthrough (NMD candidate); minus strand), UBA5 (ubiquitin like modifier activating enzyme 5; plus strand). Cytogenetic location: 3q22.1.
Variant type: single nucleotide variant.
Coding change: c.1131G>A on transcript NM_024818.6 (MANE Select); coding-DNA position 1131, G replaced by A.
Protein change: p.Lys377=; no amino-acid change (lysine 377 retained).
Molecular consequence: synonymous variant.
Genome position (GRCh38, 1-based): chr3:132,675,923, G>A. VCF-style: chr3-132675923-G-A. GRCh37 (hg19) VCF-style: chr3-132394767-G-A.
Other names: c.963G>A, p.Lys321= (NM_001320210.2, NM_198329.4); c.861G>A, p.Lys287= (NM_001321238.2); c.795G>A, p.Lys265= (NM_001321239.1).
Identifiers: ClinVar variation 2106025 (VCV002106025.4), dbSNP rs2530350255, ClinGen allele CA435800383.